The following is an entry in ClinVar:

ClinVar aggregate classification (germline): Uncertain significance (1 of 4 stars; one submission).

Conditions:
Ehlers-Danlos syndrome, type 4 (EDSVASC). Also called: Ehlers-Danlos Syndrome Type IV; Ehlers-Danlos syndrome vascular type; Ehlers Danlos syndrome, ecchymotic type; Ehlers Danlos syndrome, arterial type; Ehlers Danlos syndrome, Sack-Barabas type. Identifiers: Orphanet 286, MedGen C0268338, MONDO:0017314, OMIM 130050.

Submission:

All of Us Research Program, National Institutes of Health
Classification: Uncertain significance for Ehlers-Danlos syndrome, type 4. Last evaluated: 2023-06-26. Review status: criteria provided, single submitter. Criteria: ACMG Guidelines, 2015. Collection method: clinical testing. Allele origin: germline. Inheritance: Autosomal dominant inheritance. Observed: 1 variant allele, 1 heterozygote.
Comment: This missense variant replaces lysine with glutamic acid at codon 674 of the COL3A1 protein. Computational prediction is inconclusive regarding the impact of this variant on protein structure and function (internally defined REVEL score threshold 0.5 < inconclusive < 0.7, PMID: 27666373). To our knowledge, functional studies have not been reported for this variant. This variant has not been reported in individuals affected with COL3A1-related disorders in the literature. This variant has not been identified in the general population by the Genome Aggregation Database (gnomAD). The available evidence is insufficient to determine the role of this variant in disease conclusively. Therefore, this variant is classified as a Variant of Uncertain Significance.

This study involves interpretation of variants in research participants for the purpose of population health screening. Participant phenotype was not available at the time of variant classification. Additional details can be found in publication PMID: 35346344, PMCID: PMC8962531

NM_000090.4(COL3A1):c.2020A>G (p.Lys674Glu)

Gene: COL3A1 (collagen type III alpha 1 chain; plus strand). Cytogenetic location: 2q32.2.
Variant type: single nucleotide variant.
Coding change: c.2020A>G on transcript NM_000090.4 (MANE Select); coding-DNA position 2020, A replaced by G.
Protein change: p.Lys674Glu; replaces lysine 674 with glutamic acid.
Molecular consequence: missense variant.
Genome position (GRCh38, 1-based): chr2:188,998,716, A>G. VCF-style: chr2-188998716-A-G. GRCh37 (hg19) VCF-style: chr2-189863442-A-G.
Other names: short protein forms K674E.
Identifiers: ClinVar variation 3071806 (VCV003071806.1), dbSNP rs2469142029, ClinGen allele CA349854469.